The following is an entry in ClinVar:

NM_000051.4(ATM):c.8268+5C>G

Genes: ATM (ATM serine/threonine kinase; plus strand), C11orf65 (chromosome 11 open reading frame 65; minus strand). Cytogenetic location: 11q22.3.
Variant type: single nucleotide variant.
Coding change: c.8268+5C>G on transcript NM_000051.4 (MANE Select); 5 bases into the intron after coding-DNA position 8268, C replaced by G.
Molecular consequence: intron variant.
Genome position (GRCh38, 1-based): chr11:108,335,966, C>G. VCF-style: chr11-108335966-C-G. GRCh37 (hg19) VCF-style: chr11-108206693-C-G.
Other names: c.8268+5C>G (NM_001351834.2); c.641-26895G>C (NM_001330368.2); c.695-674G>C (NM_001351110.2).
Identifiers: ClinVar variation 3650484 (VCV003650484.2).

ClinVar aggregate classification (germline): Uncertain significance (1 of 4 stars; one submission).

Conditions:
Ataxia-telangiectasia syndrome (AT). Also called: Ataxia-telangiectasia, complementation group D; AT, COMPLEMENTATION GROUP C; ATAXIA-TELANGIECTASIA, COMPLEMENTATION GROUP A; ATAXIA-TELANGIECTASIA, FRESNO VARIANT; Ataxia-telangiectasia; Ataxia-telangiectasia, complementation group E. Identifiers: Orphanet 100, MedGen C0004135, MONDO:0008840, OMIM 208900.

Submission:

Labcorp Genetics (formerly Invitae), Labcorp
Classification: Uncertain significance for Ataxia-telangiectasia syndrome. Last evaluated: 2024-04-20. Review status: criteria provided, single submitter. Criteria: Invitae Variant Classification Sherloc (09022015). Collection method: clinical testing. Allele origin: germline.
Comment: This sequence change falls in intron 56 of the ATM gene. It does not directly change the encoded amino acid sequence of the ATM protein. It affects a nucleotide within the consensus splice site. This variant is not present in population databases (gnomAD no frequency). This variant has not been reported in the literature in individuals affected with ATM-related conditions. Variants that disrupt the consensus splice site are a relatively common cause of aberrant splicing (PMID: 17576681, 9536098). Algorithms developed to predict the effect of sequence changes on RNA splicing suggest that this variant is not likely to affect RNA splicing. In summary, the available evidence is currently insufficient to determine the role of this variant in disease. Therefore, it has been classified as a Variant of Uncertain Significance.

Literature cited by the submitters: PubMed 17576681; PubMed 9536098.